The following is an entry in ClinVar:

NM_001145073.3(USP27X):c.719_721del (p.Phe240del)

Gene: USP27X (ubiquitin specific peptidase 27 X-linked; plus strand). Cytogenetic location: Xp11.23.
Variant type: Deletion.
Coding change: c.719_721del on transcript NM_001145073.3 (MANE Select); coding-DNA positions 719 to 721, 3 bases deleted (TCT; older notation c.719_721delTCT).
Protein change: p.Phe240del; deletes phenylalanine 240.
Molecular consequence: inframe deletion.
Genome position (GRCh38, 1-based): chrX:49,881,026-49,881,028, TCT deleted; deleting any 3 consecutive bases within chrX:49,881,024-49,881,028 gives the same sequence; the c. name uses the placement nearest the transcript's 3' end. VCF-style (leftmost placement, unchanged base first): chrX-49881023-CCTT-C. GRCh37 (hg19) VCF-style: chrX-49645626-CCTT-C.
Other names: c.719_721delTCT (NM_001145073.2); c.719_721del (NM_001145073.2); short protein forms F240del.
Identifiers: ClinVar variation 931735 (VCV000931735.4), dbSNP rs782650755, ClinGen allele CA10413412.
Genomic context (GRCh38, chrX:49,881,023, plus strand): 5'-TCTCCACCACGATAGACCCATGCTGGGACATTAGTTTGGACTTGCCTGGCTCTTGCACCT[CCTT>C]CTGGCCCATGAGCCCAGGGAGGGAGAGCAGTGTGAACGGGGAAAGCCACATACCAGGAAT-3'

ClinVar aggregate classification (germline): Uncertain significance. Review status: criteria provided, multiple submitters, no conflicts (2 of 4 stars). 2 submissions from 2 submitters: Uncertain significance (2). Last evaluated 2025-04-28.

Conditions:
Intellectual developmental disorder, X-linked 105. Also called: Intellectual disability, X-linked 105. Identifiers: MedGen C4310816, MONDO:0010510, OMIM 300984.

Submissions (2):

GeneDx
Classification: Uncertain significance. Last evaluated: 2025-04-28. Review status: criteria provided, single submitter. Criteria: GeneDx Variant Classification Process June 2021. Collection method: clinical testing. Allele origin: germline. Affected: yes.
Comment: In-frame deletion of 1 amino acid(s) in a non-repeat region; In silico analysis indicates that this variant does not alter protein structure/function; Has not been previously published as pathogenic or benign to our knowledge

Centre for Mendelian Genomics, University Medical Centre Ljubljana
Classification: Uncertain significance for Intellectual developmental disorder, X-linked 105. Last evaluated: 2020-04-02. Review status: criteria provided, single submitter. Criteria: ACMG Guidelines, 2015. Collection method: clinical testing. Allele origin: unknown. Affected: yes.
Comment: This variant was classified as: Uncertain significance. The available evidence on this variant's pathogenicity is insufficient or conflicting. The following ACMG criteria were applied in classifying this variant: PM2,PM4. This variant was detected in hemizygous state.